The following is an entry in ClinVar:

ClinVar aggregate classification (germline): Uncertain significance (1 of 4 stars; one submission).

Conditions:
Inborn genetic diseases. Identifiers: MedGen C0950123, MeSH D030342.

Submission:

Ambry Genetics
Classification: Uncertain significance for Inborn genetic diseases. Last evaluated: 2025-07-14. Review status: criteria provided, single submitter. Criteria: Ambry Variant Classification Scheme 2023. Collection method: clinical testing. Allele origin: germline.
Comment: The p.M308T variant (also known as c.923T>C), located in coding exon 5 of the ERCC6L2 gene, results from a T to C substitution at nucleotide position 923. The methionine at codon 308 is replaced by threonine, an amino acid with similar properties. This amino acid position is conserved. In addition, this alteration is predicted to be deleterious by in silico analysis. Based on the available evidence, the clinical significance of this variant remains unclear.

NM_020207.7(ERCC6L2):c.923T>C (p.Met308Thr)

Gene: ERCC6L2 (ERCC excision repair 6 like 2; plus strand). Cytogenetic location: 9q22.32.
Variant type: single nucleotide variant.
Coding change: c.923T>C on transcript NM_020207.7 (MANE Select); coding-DNA position 923, T replaced by C.
Protein change: p.Met308Thr; replaces methionine 308 with threonine.
Molecular consequence: missense variant. On other transcripts: non-coding transcript variant (1).
Genome position (GRCh38, 1-based): chr9:95,915,802, T>C. VCF-style: chr9-95915802-T-C. GRCh37 (hg19) VCF-style: chr9-98678084-T-C.
Other names: c.923T>C, p.Met308Thr (NM_001010895.4, NM_001375291.1, NM_001375292.1 and 2 more transcripts); short protein forms M308T.
Identifiers: ClinVar variation 4250581 (VCV004250581.1).